The following is an entry in ClinVar:

NM_000548.5(TSC2):c.4589C>T (p.Ser1530Leu)

Gene: TSC2 (TSC complex subunit 2; plus strand). Cytogenetic location: 16p13.3.
Variant type: single nucleotide variant.
Coding change: c.4589C>T on transcript NM_000548.5 (MANE Select); coding-DNA position 4589, C replaced by T.
Protein change: p.Ser1530Leu; replaces serine 1530 with leucine.
Molecular consequence: missense variant.
Genome position (GRCh38, 1-based): chr16:2,085,249, C>T. VCF-style: chr16-2085249-C-T. GRCh37 (hg19) VCF-style: chr16-2135250-C-T.
Other names: c.4388C>T, p.Ser1463Leu (NM_001077183.3); c.4520C>T, p.Ser1507Leu (NM_001114382.3); c.4280C>T, p.Ser1427Leu (NM_001318827.2); c.4244C>T, p.Ser1415Leu (NM_001318829.2); c.3857C>T, p.Ser1286Leu (NM_001318831.2); c.4421C>T, p.Ser1474Leu (NM_001318832.2); c.4391C>T, p.Ser1464Leu (NM_001363528.2); c.4457C>T, p.Ser1486Leu (NM_001370404.1); and 1 more; short protein forms S1530L, S1415L, S1427L, S1286L, S1464L, S1474L, S1487L, S1463L.
Identifiers: ClinVar variation 573348 (VCV000573348.18), dbSNP rs1567528487, ClinGen allele CA394304471.

ClinVar aggregate classification (germline): Conflicting classifications of pathogenicity. Review status: criteria provided, conflicting classifications (1 of 4 stars). 4 submissions from 4 submitters: Uncertain significance (3); Benign (1). Last evaluated 2025-02-02.

Conditions:
Hereditary cancer-predisposing syndrome. Also called: Hereditary neoplastic syndrome; Neoplastic Syndromes, Hereditary; Hereditary Cancer Syndrome; Tumor predisposition. Identifiers: Orphanet 140162, MedGen C0027672, MeSH D009386, MONDO:0015356.
Tuberous sclerosis syndrome (TSC). Also called: Tuberous sclerosis; Tuberous Sclerosis Complex. Identifiers: Orphanet 805, MedGen C0041341, MONDO:0001734.
Tuberous sclerosis 2 (TSC2). Identifiers: Orphanet 805, MedGen C1860707, MONDO:0013199, OMIM 613254.

Allele frequency attached by ClinVar (database versions not stated): gnomAD exomes below 0.00001; TOPMed below 0.00001.
gnomAD v4.1: 6 of 1,612,730 alleles (0.00037%); highest among the groups gnomAD compares: African/African-American, 0.0013%; no homozygotes.

Submissions (4):

Labcorp Genetics (formerly Invitae), Labcorp
Classification: Benign for Tuberous sclerosis 2. Last evaluated: 2025-02-02. Review status: criteria provided, single submitter. Criteria: Invitae Variant Classification Sherloc (09022015). Collection method: clinical testing. Allele origin: germline.

Ambry Genetics
Classification: Uncertain significance for Hereditary cancer-predisposing syndrome. Last evaluated: 2023-07-06. Review status: criteria provided, single submitter. Criteria: Ambry Variant Classification Scheme 2023. Collection method: clinical testing. Allele origin: germline.
Comment: The p.S1530L variant (also known as c.4589C>T), located in coding exon 35 of the TSC2 gene, results from a C to T substitution at nucleotide position 4589. The serine at codon 1530 is replaced by leucine, an amino acid with dissimilar properties. This amino acid position is well conserved in available vertebrate species. In addition, this alteration is predicted to be deleterious by in silico analysis. Since supporting evidence is limited at this time, the clinical significance of this alteration remains unclear.

All of Us Research Program, National Institutes of Health
Classification: Uncertain significance for Tuberous sclerosis syndrome. Last evaluated: 2023-03-28. Review status: criteria provided, single submitter. Criteria: ACMG Guidelines, 2015. Collection method: clinical testing. Allele origin: germline. Inheritance: Autosomal dominant inheritance. Observed: 1 variant allele, 1 heterozygote.
Comment: This study involves interpretation of variants in research participants for the purpose of population health screening. Participant phenotype was not available at the time of variant classification. Additional details can be found in publication PMID: 35346344, PMCID: PMC8962531

Genome-Nilou Lab
Classification: Uncertain significance for Tuberous sclerosis 2. Last evaluated: 2021-11-07. Review status: criteria provided, single submitter. Criteria: ACMG Guidelines, 2015. Collection method: clinical testing. Allele origin: germline. Affected: no.